The following is an entry in ClinVar:

ClinVar aggregate classification (germline): Uncertain significance. Review status: criteria provided, multiple submitters, no conflicts (2 of 4 stars). 2 submissions from 2 submitters: Uncertain significance (2). Last evaluated 2025-02-24.

Conditions:
Inborn genetic diseases. Identifiers: MedGen C0950123, MeSH D030342.
Compton-North congenital myopathy (CMYO12). Identifiers: Orphanet 210163, MedGen C2675527, MONDO:0012929, OMIM 612540.

Allele frequency attached by ClinVar (database versions not stated): gnomAD exomes 0.00001; TOPMed 0.00005; gnomAD 0.00007 and 0.00009.
gnomAD v4.1: 19 of 1,607,532 alleles (0.0012%); highest among the groups gnomAD compares: African/African-American, 0.023%; no homozygotes.

Submissions (2):

Ambry Genetics
Classification: Uncertain significance for Inborn genetic diseases. Last evaluated: 2025-02-24. Review status: criteria provided, single submitter. Criteria: Ambry Variant Classification Scheme 2023. Collection method: clinical testing. Allele origin: germline.

Labcorp Genetics (formerly Invitae), Labcorp
Classification: Uncertain significance for Compton-North congenital myopathy. Last evaluated: 2022-07-06. Review status: criteria provided, single submitter. Criteria: Invitae Variant Classification Sherloc (09022015). Collection method: clinical testing. Allele origin: germline.
Comment: This sequence change replaces isoleucine, which is neutral and non-polar, with valine, which is neutral and non-polar, at codon 232 of the CNTN1 protein (p.Ile232Val). This variant is present in population databases (no rsID available, gnomAD 0.01%). This variant has not been reported in the literature in individuals affected with CNTN1-related conditions. ClinVar contains an entry for this variant (Variation ID: 855347). Advanced modeling of protein sequence and biophysical properties (such as structural, functional, and spatial information, amino acid conservation, physicochemical variation, residue mobility, and thermodynamic stability) performed at Invitae indicates that this missense variant is not expected to disrupt CNTN1 protein function. Algorithms developed to predict the effect of sequence changes on RNA splicing suggest that this variant may create or strengthen a splice site. In summary, the available evidence is currently insufficient to determine the role of this variant in disease. Therefore, it has been classified as a Variant of Uncertain Significance.

NM_001843.4(CNTN1):c.694A>G (p.Ile232Val)

Gene: CNTN1 (contactin 1; plus strand). Cytogenetic location: 12q12.
Variant type: single nucleotide variant.
Coding change: c.694A>G on transcript NM_001843.4 (MANE Select); coding-DNA position 694, A replaced by G.
Protein change: p.Ile232Val; replaces isoleucine 232 with valine.
Molecular consequence: missense variant.
Genome position (GRCh38, 1-based): chr12:40,929,993, A>G. VCF-style: chr12-40929993-A-G. GRCh37 (hg19) VCF-style: chr12-41323795-A-G.
Other names: c.694A>G, p.Ile232Val (NM_001256063.2, NM_001256064.2); c.661A>G, p.Ile221Val (NM_175038.2); c.694A>G (NM_001843.2); short protein forms I232V, I221V.
Identifiers: ClinVar variation 855347 (VCV000855347.8), dbSNP rs972742579, ClinGen allele CA235395429.
Genomic context (GRCh38, chr12:40,929,993, plus strand): 5'-TTTGTTTCCAGTCCTTCTATTACAAAGAGCGTGTTCAGCAAATTCATCCCACTCATTCCA[A>G]TACCTGAACGTAAGTATTTTATTTGTTACACTCTGTTTTCGCAAGGTTATCTACATATGG-3'
Protein context (NP_001834.2, residues 222-242): VFSKFIPLIP[Ile232Val]PERTTKPYPA